The following is an entry in ClinVar:

ClinVar aggregate classification (germline): Uncertain significance. Review status: criteria provided, multiple submitters, no conflicts (2 of 4 stars). 12 submissions from 11 submitters: Uncertain significance (12). Last evaluated 2025-12-03.

Conditions:
Schwartz-Jampel syndrome type 1 (SJS1). Also called: MYOTONIC MYOPATHY, DWARFISM, CHONDRODYSTROPHY, AND OCULAR AND FACIAL ABNORMALITIES; CHONDRODYSTROPHIC MYOTONIA. Identifiers: MedGen C4551479, MONDO:0100435, OMIM 255800.
Lethal Kniest-like syndrome (DDSH). Also called: Dyssegmental Dysplasia. Identifiers: Orphanet 1865, MedGen C1857100, MONDO:0009140, OMIM 224410.
HSPG2-related disorder. Also called: HSPG2-related disorders; HSPG2-related condition.
Connective tissue disorder. Also called: Connective tissue disease. Identifiers: MedGen C0009782, MONDO:0003900.
Inborn genetic diseases. Identifiers: MedGen C0950123, MeSH D030342.
Schwartz-Jampel syndrome. Also called: Myotonic myopathy dwarfism chondrodystrophy and ocular and facial abnormalities. Identifiers: Orphanet 800, MedGen C0036391, MONDO:0009717.

Allele frequency attached by ClinVar (database versions not stated): 1000 Genomes Project 30x 0.00031; 1000 Genomes Project 0.00040; ExAC 0.00078; gnomAD 0.00079 and 0.00080; ESP Exome Variant Server 0.00085; TOPMed 0.00096.
gnomAD v4.1: 2,010 of 1,614,206 alleles (0.12%); highest among the groups gnomAD compares: Non-Finnish European, 0.16%; 5 homozygotes.

Submissions (12):

GeneDx
Classification: Uncertain significance. Last evaluated: 2025-12-03. Review status: criteria provided, single submitter. Criteria: GeneDx Variant Classification Process June 2021. Collection method: clinical testing. Allele origin: germline. Affected: yes.
Comment: Observed in a Norwegian cohort of a study on myocardial infarction (PMID: 24728188); In silico analysis supports that this missense variant has a deleterious effect on protein structure/function; In silico analysis suggests this variant may impact gene splicing. In the absence of RNA/functional studies, the actual effect of this sequence change is unknown.; This variant is associated with the following publications: (PMID: 24728188)

Labcorp Genetics (formerly Invitae), Labcorp
Classification: Uncertain significance. Last evaluated: 2025-01-30. Review status: criteria provided, single submitter. Criteria: Invitae Variant Classification Sherloc (09022015). Collection method: clinical testing. Allele origin: germline.
Comment: This sequence change replaces glycine, which is neutral and non-polar, with serine, which is neutral and polar, at codon 909 of the HSPG2 protein (p.Gly909Ser). This variant is present in population databases (rs137904249, gnomAD 0.1%), and has an allele count higher than expected for a pathogenic variant. This variant has not been reported in the literature in individuals affected with HSPG2-related conditions. ClinVar contains an entry for this variant (Variation ID: 283521). An algorithm developed to predict the effect of missense changes on protein structure and function (PolyPhen-2) suggests that this variant is likely to be disruptive. In summary, the available evidence is currently insufficient to determine the role of this variant in disease. Therefore, it has been classified as a Variant of Uncertain Significance.

Blueprint Genetics
Classification: Uncertain significance. Last evaluated: 2024-11-26. Review status: criteria provided, single submitter. Criteria: ACMG Guidelines, 2015. Collection method: clinical testing. Allele origin: germline.

PreventionGenetics, part of Exact Sciences
Classification: Uncertain significance for HSPG2-related condition. Last evaluated: 2023-08-08. Review status: criteria provided, single submitter. Criteria: ACMG Guidelines, 2015. Collection method: clinical testing. Allele origin: germline.
Comment: The HSPG2 c.2725G>A variant is predicted to result in the amino acid substitution p.Gly909Ser. To our knowledge, this variant has not been reported in the literature. This variant is reported in 0.13% of alleles in individuals of European (Non-Finnish) descent in gnomAD. Although we suspect that this variant may be benign, at this time, the clinical significance of this variant is uncertain due to the absence of conclusive functional and genetic evidence.

Department of Pathology and Laboratory Medicine, Sinai Health System
Classification: Uncertain significance for Lethal Kniest-like syndrome; Schwartz-Jampel syndrome type 1. Last evaluated: 2022-01-14. Review status: criteria provided, single submitter. Criteria: ACMG Guidelines, 2015. Collection method: research. Allele origin: germline.

Genome Diagnostics Laboratory, The Hospital for Sick Children
Classification: Uncertain significance for Connective tissue disorder. Last evaluated: 2021-07-15. Review status: criteria provided, single submitter. Criteria: ACMG Guidelines, 2015. Collection method: clinical testing. Allele origin: germline.

Ambry Genetics
Classification: Uncertain significance for Inborn genetic diseases. Last evaluated: 2021-02-22. Review status: criteria provided, single submitter. Criteria: Ambry Variant Classification Scheme 2023. Collection method: clinical testing. Allele origin: germline.
Comment: The c.2725G>A (p.G909S) alteration is located in exon 21 (coding exon 21) of the HSPG2 gene. This alteration results from a G to A substitution at nucleotide position 2725, causing the glycine (G) at amino acid position 909 to be replaced by a serine (S). The in silico prediction for the p.G909S alteration is inconclusive. Based on insufficient or conflicting evidence, the clinical significance of this alteration remains unclear.

Revvity Omics, Revvity
Classification: Uncertain significance. Last evaluated: 2020-02-20. Review status: criteria provided, single submitter. Criteria: ACMG Guidelines, 2015. Collection method: clinical testing. Allele origin: germline.

Athena Diagnostics
Classification: Uncertain significance. Last evaluated: 2018-12-27. Review status: criteria provided, single submitter. Criteria: Athena Diagnostics Criteria. Collection method: clinical testing. Allele origin: germline.

Illumina Laboratory Services, Illumina
Classification: Uncertain significance for Lethal Kniest-like syndrome. Last evaluated: 2018-01-12. Review status: criteria provided, single submitter. Criteria: ICSL Variant Classification Criteria 13 December 2019. Collection method: clinical testing. Allele origin: germline.

Illumina Laboratory Services, Illumina
Classification: Uncertain significance for Schwartz-Jampel syndrome type 1. Last evaluated: 2018-01-12. Review status: criteria provided, single submitter. Criteria: ICSL Variant Classification Criteria 13 December 2019. Collection method: clinical testing. Allele origin: germline.

Eurofins Ntd Llc (ga)
Classification: Uncertain significance. Last evaluated: 2016-12-22. Review status: criteria provided, single submitter. Criteria: EGL Classification Definitions 2015. Collection method: clinical testing. Allele origin: germline. Observed: 3 variant alleles, 3 heterozygotes.

NM_005529.7(HSPG2):c.2725G>A (p.Gly909Ser)

Gene: HSPG2 (heparan sulfate proteoglycan 2; minus strand). Cytogenetic location: 1p36.12.
Variant type: single nucleotide variant.
Coding change: c.2725G>A on transcript NM_005529.7 (MANE Select); coding-DNA position 2725, G replaced by A.
Protein change: p.Gly909Ser; replaces glycine 909 with serine.
Molecular consequence: missense variant.
Genome position (GRCh38, 1-based): chr1:21,876,613, C>T on the plus strand (G>A on the coding strand, the complement: HSPG2 is on the minus strand). VCF-style: chr1-21876613-C-T. GRCh37 (hg19) VCF-style: chr1-22203106-C-T.
Other names: c.2728G>A, p.Gly910Ser (NM_001291860.2); short protein forms G909S, G910S.
Identifiers: ClinVar variation 283521 (VCV000283521.27), dbSNP rs137904249, ClinGen allele CA672886.